The following is an entry in ClinVar:

NM_000053.4(ATP7B):c.763C>T (p.His255Tyr)

Gene: ATP7B (ATPase copper transporting beta; minus strand). Cytogenetic location: 13q14.3.
Variant type: single nucleotide variant.
Coding change: c.763C>T on transcript NM_000053.4 (MANE Select); coding-DNA position 763, C replaced by T.
Protein change: p.His255Tyr; replaces histidine 255 with tyrosine.
Molecular consequence: missense variant.
Genome position (GRCh38, 1-based): chr13:51,974,457, G>A on the plus strand (C>T on the coding strand, the complement: ATP7B is on the minus strand). VCF-style: chr13-51974457-G-A. GRCh37 (hg19) VCF-style: chr13-52548593-G-A.
Other names: c.763C>T, p.His255Tyr (NM_001406520.1, NM_001406521.1, NM_001406522.1 and 30 more transcripts); c.667C>T, p.His223Tyr (NM_001406530.1, NM_001406543.1, NM_001406544.1 and 4 more transcripts); short protein forms H223Y, H255Y.
Identifiers: ClinVar variation 4758830 (VCV004758830.1).

ClinVar aggregate classification (germline): Uncertain significance (1 of 4 stars; one submission).

Conditions:
Wilson disease (WND). Also called: Wilson's disease. Identifiers: Orphanet 905, MedGen C0019202, MONDO:0010200, OMIM 277900. Disease mechanism: loss of function.

gnomAD v4.1: 5 of 1,614,074 alleles (0.00031%); highest among the groups gnomAD compares: Non-Finnish European, 0.00042%; no homozygotes.

Submission:

Color Diagnostics, LLC DBA Color Health
Classification: Uncertain significance for Wilson disease. Last evaluated: 2023-06-14. Review status: criteria provided, single submitter. Criteria: ACMG Guidelines, 2015. Collection method: clinical testing. Allele origin: germline.
Comment: This missense variant replaces histidine with tyrosine at codon 255 of the ATP7B protein. Computational prediction suggests that this variant may not impact protein structure and function. To our knowledge, functional studies have not been reported for this variant. This variant has not been reported in individuals affected with ATP7B-related disorders in the literature. This variant has not been identified in the general population by the Genome Aggregation Database (gnomAD). The available evidence is insufficient to determine the role of this variant in disease conclusively. Therefore, this variant is classified as a Variant of Uncertain Significance.